The following is an entry in ClinVar:

ClinVar aggregate classification (germline): Likely pathogenic (1 of 4 stars; one submission).

Conditions:
Early-infantile DEE. Also called: Ohtahara syndrome; Early infantile epileptic encephalopathy with suppression bursts; Early infantile epileptic encephalopathy. Identifiers: Orphanet 1934, MedGen C0393706, MONDO:0800491.

Submission:

Labcorp Genetics (formerly Invitae), Labcorp
Classification: Likely pathogenic for Early-infantile DEE. Last evaluated: 2022-10-17. Review status: criteria provided, single submitter. Criteria: Invitae Variant Classification Sherloc (09022015). Collection method: clinical testing. Allele origin: germline.
Comment: This sequence change replaces leucine, which is neutral and non-polar, with valine, which is neutral and non-polar, at codon 363 of the SCN8A protein (p.Leu363Val). This variant is not present in population databases (gnomAD no frequency). This missense change has been observed in individual(s) with seizures (Invitae). In at least one individual the variant was observed to be de novo. ClinVar contains an entry for this variant (Variation ID: 1426285). Advanced modeling of protein sequence and biophysical properties (such as structural, functional, and spatial information, amino acid conservation, physicochemical variation, residue mobility, and thermodynamic stability) has been performed at Invitae for this missense variant, however the output from this modeling did not meet the statistical confidence thresholds required to predict the impact of this variant on SCN8A protein function. In summary, the currently available evidence indicates that the variant is pathogenic, but additional data are needed to prove that conclusively. Therefore, this variant has been classified as Likely Pathogenic.

NM_001330260.2(SCN8A):c.1087T>G (p.Leu363Val)

Gene: SCN8A (sodium voltage-gated channel alpha subunit 8; plus strand). Cytogenetic location: 12q13.13.
Variant type: single nucleotide variant.
Coding change: c.1087T>G on transcript NM_001330260.2 (MANE Select); coding-DNA position 1087, T replaced by G.
Protein change: p.Leu363Val; replaces leucine 363 with valine.
Molecular consequence: missense variant.
Genome position (GRCh38, 1-based): chr12:51,702,867, T>G. VCF-style: chr12-51702867-T-G. GRCh37 (hg19) VCF-style: chr12-52096651-T-G.
Other names: c.1087T>G, p.Leu363Val (NM_001177984.3, NM_001369788.1, NM_014191.4); short protein forms L363V.
Identifiers: ClinVar variation 1426285 (VCV001426285.7), dbSNP rs2138742488, ClinGen allele CA385227252.